The following is an entry in ClinVar:

ClinVar aggregate classification (germline): Pathogenic. Review status: criteria provided, multiple submitters, no conflicts (2 of 4 stars). 2 submissions from 2 submitters: Pathogenic (2). Last evaluated 2025-12-08.

Conditions:
Alagille syndrome due to a JAG1 point mutation. Also called: JAG1-Related Alagille Syndrome; Alagille Syndrome 1; HEPATIC DUCTULAR HYPOPLASIA, SYNDROMATIC. Identifiers: Orphanet 261619, Orphanet 52, MedGen C1956125, MONDO:0016862, OMIM 118450.

Submissions (2):

Labcorp Genetics (formerly Invitae), Labcorp
Classification: Pathogenic for Alagille syndrome due to a JAG1 point mutation. Last evaluated: 2025-12-08. Review status: criteria provided, single submitter. Criteria: Invitae Variant Classification Sherloc (09022015). Collection method: clinical testing. Allele origin: germline.
Comment: This sequence change creates a premature translational stop signal (p.Ile742Serfs*5) in the JAG1 gene. It is expected to result in an absent or disrupted protein product. Loss-of-function variants in JAG1 are known to be pathogenic (PMID: 11180599). This variant is not present in population databases (gnomAD no frequency). This premature translational stop signal has been observed in individual(s) with Alagille syndrome (PMID: 21752016). ClinVar contains an entry for this variant (Variation ID: 499127). For these reasons, this variant has been classified as Pathogenic.

Eurofins Ntd Llc (ga)
Classification: Pathogenic. Last evaluated: 2016-12-07. Review status: criteria provided, single submitter. Criteria: EGL Classification Definitions 2015. Collection method: clinical testing. Allele origin: germline. Observed: 1 variant allele, 1 heterozygote.

Literature cited by the submitters: PubMed 11180599 (cited by Labcorp Genetics (formerly Invitae), Labcorp); PubMed 21752016 (cited by Labcorp Genetics (formerly Invitae), Labcorp).

NM_000214.3(JAG1):c.2225_2226del (p.Ile742fs)

Gene: JAG1 (jagged canonical Notch ligand 1; minus strand). Cytogenetic location: 20p12.2.
Variant type: Deletion.
Coding change: c.2225_2226del on transcript NM_000214.3 (MANE Select); coding-DNA positions 2225 to 2226, 2 bases deleted (TA; older notation c.2225_2226delTA).
Protein change: p.Ile742fs; shifts the reading frame from isoleucine 742.
Molecular consequence: frameshift variant.
Genome position (GRCh38, 1-based): chr20:10,645,144-10,645,145, TA deleted on the plus strand (TA on the coding strand, the reverse complement: JAG1 is on the minus strand); deleting any 2 consecutive bases within chr20:10,645,144-10,645,146 gives the same sequence; the c. name uses the placement nearest the transcript's 3' end. VCF-style (leftmost placement, unchanged base first): chr20-10645143-CTA-C. GRCh37 (hg19) VCF-style: chr20-10625791-CTA-C.
Other names: c.2225_2226del, p.Ile742fs (LRG_1191t1); short protein forms I742fs.
Identifiers: ClinVar variation 499127 (VCV000499127.7), dbSNP rs1555828209, ClinGen allele CA658799329.